The following is an entry in ClinVar:

ClinVar aggregate classification (germline): Uncertain significance. Review status: criteria provided, multiple submitters, no conflicts (2 of 4 stars). 2 submissions from 2 submitters: Uncertain significance (2). Last evaluated 2025-07-18.

Conditions:
LRBA-related disorder. Also called: LRBA-related condition.
Combined immunodeficiency due to LRBA deficiency. Also called: Common variable immunodeficiency 8, with autoimmunity. Identifiers: Orphanet 445018, MedGen C3553512, MONDO:0013863, OMIM 614700.

Allele frequency attached by ClinVar (database versions not stated): TOPMed 0.00002; gnomAD 0.00004; ExAC 0.00005; 1000 Genomes Project 0.00020.
gnomAD v4.1: 28 of 1,613,714 alleles (0.0017%); highest among the groups gnomAD compares: South Asian, 0.0066%; no homozygotes.

Submissions (2):

Labcorp Genetics (formerly Invitae), Labcorp
Classification: Uncertain significance for Combined immunodeficiency due to LRBA deficiency. Last evaluated: 2025-07-18. Review status: criteria provided, single submitter. Criteria: Invitae Variant Classification Sherloc (09022015). Collection method: clinical testing. Allele origin: germline.
Comment: This sequence change replaces asparagine, which is neutral and polar, with aspartic acid, which is acidic and polar, at codon 2850 of the LRBA protein (p.Asn2850Asp). This variant is present in population databases (rs529665764, gnomAD 0.01%). This variant has not been reported in the literature in individuals affected with LRBA-related conditions. ClinVar contains an entry for this variant (Variation ID: 836509). Invitae Evidence Modeling of protein sequence and biophysical properties (such as structural, functional, and spatial information, amino acid conservation, physicochemical variation, residue mobility, and thermodynamic stability) indicates that this missense variant is not expected to disrupt LRBA protein function with a negative predictive value of 80%. In summary, the available evidence is currently insufficient to determine the role of this variant in disease. Therefore, it has been classified as a Variant of Uncertain Significance.

PreventionGenetics, part of Exact Sciences
Classification: Uncertain significance for LRBA-related condition. Last evaluated: 2025-04-25. Review status: criteria provided, single submitter. Criteria: ACMG Guidelines, 2015. Collection method: clinical testing. Allele origin: germline.
Comment: The LRBA c.8548A>G variant is predicted to result in the amino acid substitution p.Asn2850Asp. To our knowledge, this variant has not been reported in the literature. This variant is reported in 0.013% of alleles in individuals of South Asian descent in gnomAD. At this time, the clinical significance of this variant is uncertain due to the absence of conclusive functional and genetic evidence.

NM_001364905.1(LRBA):c.8515A>G (p.Asn2839Asp)

Gene: LRBA (LPS responsive beige-like anchor protein; minus strand). Cytogenetic location: 4q31.3.
Variant type: single nucleotide variant.
Coding change: c.8515A>G on transcript NM_001364905.1 (MANE Select); coding-DNA position 8515, A replaced by G.
Protein change: p.Asn2839Asp; replaces asparagine 2839 with aspartic acid.
Molecular consequence: missense variant.
Genome position (GRCh38, 1-based): chr4:150,265,766, T>C on the plus strand (A>G on the coding strand, the complement: LRBA is on the minus strand). VCF-style: chr4-150265766-T-C. GRCh37 (hg19) VCF-style: chr4-151186918-T-C.
Other names: c.8512A>G, p.Asn2838Asp (NM_001199282.3); c.8530A>G, p.Asn2844Asp (NM_001367550.1); c.8548A>G, p.Asn2850Asp (NM_006726.5); short protein forms N2838D, N2839D, N2844D, N2850D.
Identifiers: ClinVar variation 836509 (VCV000836509.10), dbSNP rs529665764, ClinGen allele CA3101316.
Genomic context (GRCh38, chr4:150,265,766, plus strand): 5'-TGTACAGCTGTCACCATCAGTAGCGGGTTTGGTATTCATGATGCCACCGGTTAAAGTCGT[T>C]GTAAAATAGCACAATGCTTCCTGAAGCCATGCCAGAAATGATGCACCTAGGAGAAGCACA-3'
Protein context (NP_001351834.1, residues 2829-2849): MASGSIVLFY[Asn2839Asp]DFNRWHHEYQ